The following is an entry in ClinVar:

ClinVar aggregate classification (germline): Uncertain significance (1 of 4 stars; one submission).

Conditions:
Cardiomyopathy (CMYO). Also called: Cardiomyopathies. Identifiers: Orphanet 167848, MedGen C0878544, MONDO:0004994, HP:0001638. Inheritance: Various modes of inheritance.

gnomAD v4.1: 1 of 1,589,862 alleles (0.000063%); highest among the groups gnomAD compares: Non-Finnish European, 0.000085%; no homozygotes.

Submission:

Color Diagnostics, LLC DBA Color Health
Classification: Uncertain significance for Cardiomyopathy. Last evaluated: 2025-08-10. Review status: criteria provided, single submitter. Criteria: ACMG Guidelines, 2015. Collection method: clinical testing. Allele origin: germline.
Comment: This missense variant replaces glutamine with arginine at codon 57 of the PKP2 protein. Computational prediction suggests that this variant may not impact protein structure and function. To our knowledge, functional studies have not been reported for this variant. This variant has not been reported in individuals affected with PKP2-related disorders in the literature. This variant has not been identified in the general population by the Genome Aggregation Database (gnomAD). The available evidence is insufficient to determine the role of this variant in disease conclusively. Therefore, this variant is classified as a Variant of Uncertain Significance.

NM_001005242.3(PKP2):c.170A>G (p.Gln57Arg)

Gene: PKP2 (plakophilin 2; minus strand). Cytogenetic location: 12p11.21.
Variant type: single nucleotide variant.
Coding change: c.170A>G on transcript NM_001005242.3 (MANE Select); coding-DNA position 170, A replaced by G.
Protein change: p.Gln57Arg; replaces glutamine 57 with arginine.
Molecular consequence: missense variant. On other transcripts: 5 prime UTR variant (4).
Genome position (GRCh38, 1-based): chr12:32,896,562, T>C on the plus strand (A>G on the coding strand, the complement: PKP2 is on the minus strand). VCF-style: chr12-32896562-T-C. GRCh37 (hg19) VCF-style: chr12-33049496-T-C.
Other names: c.170A>G, p.Gln57Arg (NM_001407155.1, NM_001407156.1, NM_001407157.1 and 2 more transcripts); c.-657A>G (NM_001407158.1, NM_001407162.1); c.-421A>G (NM_001407159.1, NM_001407160.1); short protein forms Q57R.
Identifiers: ClinVar variation 4757781 (VCV004757781.1).
Genomic context (GRCh38, chr12:32,896,562, plus strand): 5'-CACTCACCGTTGCCCACGGAGCTGCGGCCCTTCCGGGCGAGGGTCTGCTGCACCTGCTCC[T>C]GGATCCGCAGGCTCTTGACTGTCTGGCCGCCGCGGCCGCTGCTCCCCGCCAGCTTCAGCT-3'
Protein context (NP_001005242.2, residues 47-67): GGQTVKSLRI[Gln57Arg]EQVQQTLARK